The following is an entry in ClinVar:

ClinVar aggregate classification (germline): Uncertain significance (1 of 4 stars; one submission).

Conditions:
Inborn genetic diseases. Identifiers: MedGen C0950123, MeSH D030342.

gnomAD v4.1: 4 of 1,612,906 alleles (0.00025%); highest among the groups gnomAD compares: South Asian, 0.0022%; no homozygotes.

Submission:

Ambry Genetics
Classification: Uncertain significance for Inborn genetic diseases. Last evaluated: 2025-01-19. Review status: criteria provided, single submitter. Criteria: Ambry Variant Classification Scheme 2023. Collection method: clinical testing. Allele origin: germline.
Comment: The p.K1121E variant (also known as c.3361A>G), located in coding exon 24 of the ANKRD26 gene, results from an A to G substitution at nucleotide position 3361. The lysine at codon 1121 is replaced by glutamic acid, an amino acid with similar properties. This amino acid position is conserved. In addition, this alteration is predicted to be tolerated by in silico analysis. Based on the available evidence, the clinical significance of this variant remains unclear.

NM_014915.3(ANKRD26):c.3361A>G (p.Lys1121Glu)

Gene: ANKRD26 (ankyrin repeat domain containing 26; minus strand). Cytogenetic location: 10p12.1.
Variant type: single nucleotide variant.
Coding change: c.3361A>G on transcript NM_014915.3 (MANE Select); coding-DNA position 3361, A replaced by G.
Protein change: p.Lys1121Glu; replaces lysine 1121 with glutamic acid.
Molecular consequence: missense variant.
Genome position (GRCh38, 1-based): chr10:27,035,089, T>C on the plus strand (A>G on the coding strand, the complement: ANKRD26 is on the minus strand). VCF-style: chr10-27035089-T-C. GRCh37 (hg19) VCF-style: chr10-27324018-T-C.
Other names: c.3358A>G, p.Lys1120Glu (NM_001256053.2); short protein forms K1120E, K1121E.
Identifiers: ClinVar variation 3870570 (VCV003870570.1).